The following is an entry in ClinVar:

NM_015335.5(MED13L):c.263G>A (p.Trp88Ter)

Gene: MED13L (mediator complex subunit 13L; minus strand). Cytogenetic location: 12q24.21.
Variant type: single nucleotide variant.
Coding change: c.263G>A on transcript NM_015335.5 (MANE Select); coding-DNA position 263, G replaced by A.
Protein change: p.Trp88Ter; replaces tryptophan 88 with a stop codon.
Molecular consequence: nonsense.
Genome position (GRCh38, 1-based): chr12:116,237,515, C>T on the plus strand (G>A on the coding strand, the complement: MED13L is on the minus strand). VCF-style: chr12-116237515-C-T. GRCh37 (hg19) VCF-style: chr12-116675320-C-T.
Other names: short protein forms W88*.
Identifiers: ClinVar variation 801022 (VCV000801022.10), dbSNP rs1870202051, ClinGen allele CA386927299.

ClinVar aggregate classification (germline): Pathogenic. Review status: criteria provided, multiple submitters, no conflicts (2 of 4 stars). 2 submissions from 2 submitters: Pathogenic (2). Last evaluated 2019-11-28.

Conditions:
Dextro-looped transposition of the great arteries. Also called: Dextrotransposition of the great arteries. Identifiers: Orphanet 860, MedGen C3531771, MONDO:0019443, OMIM 608808, HP:0031348.
Intellectual disability. Also called: Intellectual functioning disability; Intellectual developmental disorder; intellectual disabilities. Identifiers: MedGen C3714756, MeSH D008607, MONDO:0001071, HP:0001249.

Submissions (2):

Labcorp Genetics (formerly Invitae), Labcorp
Classification: Pathogenic for Dextro-looped transposition of the great arteries. Last evaluated: 2019-11-28. Review status: criteria provided, single submitter. Criteria: Invitae Variant Classification Sherloc (09022015). Collection method: clinical testing. Allele origin: germline.
Comment: Loss-of-function variants in MED13L are known to be pathogenic (PMID: 23403903). For these reasons, this variant has been classified as Pathogenic. Algorithms developed to predict the effect of sequence changes on RNA splicing suggest that this variant may create or strengthen a splice site, but this prediction has not been confirmed by published transcriptional studies. This variant has not been reported in the literature in individuals with MED13L-related conditions. This variant is not present in population databases (ExAC no frequency). This sequence change creates a premature translational stop signal (p.Trp88*) in the MED13L gene. It is expected to result in an absent or disrupted protein product.

Human Genome Sequencing Center Clinical Lab, Baylor College of Medicine
Classification: Pathogenic for Intellectual disability. Last evaluated: 2019-11-18. Review status: criteria provided, single submitter. Criteria: ACMG Guidelines, 2015. Collection method: research. Allele origin: de novo. Inheritance: Autosomal dominant inheritance. Affected: yes. Observed: 1 heterozygote.
Comment: The c.263G>A (p.Trp88Ter) variant in the MED13L gene is predicted to introduce a premature translation termination codon. It is predicted to cause loss of normal protein function either through abnormal, prematurely truncated protein, or by absence of protein product due to nonsense-mediated mRNA decay. This variant was not observed in the general population (gnomAD database). Multiple studies, reviewed in Asadollahi et al. 2017 (PMID: 28645799), have reported on the role of loss of function variants in the MED13L gene in individuals with intellectual disability with or without heart defects. For these reasons, this variant has been classified as Pathogenic.

Literature cited by the submitters: PubMed 23403903 (cited by Labcorp Genetics (formerly Invitae), Labcorp).